The following is an entry in ClinVar:

ClinVar aggregate classification (germline): Uncertain significance (1 of 4 stars; one submission).

Allele frequency attached by ClinVar (database versions not stated): ExAC 0.00001; gnomAD 0.00001; gnomAD exomes 0.00001; TOPMed 0.00001.

Submission:

Women's Health and Genetics/Laboratory Corporation of America, LabCorp
Classification: Uncertain significance. Last evaluated: 2023-06-23. Review status: criteria provided, single submitter. Criteria: LabCorp Variant Classification Summary - May 2015. Collection method: clinical testing. Allele origin: germline.
Comment: Variant summary: MATR3 c.-16_-15delAA is located in the untranslated mRNA region upstream of the initiation codon. The variant allele was found at a frequency of 8.1e-06 in 246582 control chromosomes (gnomAD). The available data on variant occurrences in the general population are insufficient to allow any conclusion about variant significance. To our knowledge, no occurrence of c.-16_-15delAA in individuals affected with Amyotrophic Lateral Sclerosis Type 1 and no experimental evidence demonstrating its impact on protein function have been reported. No submitters have cited clinical-significance assessments for this variant to ClinVar after 2014. Based on the evidence outlined above, the variant was classified as uncertain significance.

NM_018834.6(MATR3):c.-16_-15del

Gene: MATR3 (matrin 3; plus strand). Cytogenetic location: 5q31.2.
Variant type: Deletion.
Coding change: c.-16_-15del on transcript NM_018834.6 (MANE Select); 16 bases upstream of the start codon through 15 bases upstream of the start codon, 2 bases deleted (AA; older notation c.-16_-15delAA).
Molecular consequence: 5 prime UTR variant. On other transcripts: intron variant (11).
Genome position (GRCh38, 1-based): chr5:139,307,400-139,307,401, AA deleted. VCF-style (leftmost placement, unchanged base first): chr5-139307399-CAA-C. GRCh37 (hg19) VCF-style: chr5-138643088-CAA-C.
Other names: c.-16_-15del (NM_001194954.2, NM_001194955.2, NM_001400441.1 and 16 more transcripts); c.52-7275_52-7274del (NM_001400459.1); c.-102-7275_-102-7274del (NM_001400463.1, NM_001400460.1, NM_001282278.2 and 3 more transcripts); c.-40-8297_-40-8296del (NM_001400462.1, NM_001400467.1); c.13-7275_13-7274del (NM_001400461.1); c.49-7275_49-7274del (NM_001194956.2).
Identifiers: ClinVar variation 2573352 (VCV002573352.1), dbSNP rs761140850, ClinGen allele CA3432857.
Genomic context (GRCh38, chr5:139,307,399, plus strand): 5'-GTTTGAGCTTTCTTTTTGGCCGTCTTTAAAAAAATTTTTTTTTTTAATCTATAAAATAGA[CAA>C]GAGCTAGTTCTACAATGTCCAAGTCATTCCAGCAGTCATCTCTCAGTAGGGACTCACAGG-3'